The following is an entry in ClinVar:

ClinVar aggregate classification (germline): Uncertain significance (1 of 4 stars; one submission).

Submission:

GeneDx
Classification: Uncertain significance. Last evaluated: 2022-03-15. Review status: criteria provided, single submitter. Criteria: GeneDx Variant Classification Process June 2021. Collection method: clinical testing. Allele origin: germline. Affected: yes.
Comment: Not observed in large population cohorts (gnomAD); In silico analysis supports that this missense variant has a deleterious effect on protein structure/function; Has not been previously published as pathogenic or benign to our knowledge

NM_000350.3(ABCA4):c.1262T>G (p.Leu421Arg)

Gene: ABCA4 (ATP binding cassette subfamily A member 4; minus strand). Cytogenetic location: 1p22.1.
Variant type: single nucleotide variant.
Coding change: c.1262T>G on transcript NM_000350.3 (MANE Select); coding-DNA position 1262, T replaced by G.
Protein change: p.Leu421Arg; replaces leucine 421 with arginine.
Molecular consequence: missense variant.
Genome position (GRCh38, 1-based): chr1:94,078,684, A>C on the plus strand (T>G on the coding strand, the complement: ABCA4 is on the minus strand). VCF-style: chr1-94078684-A-C. GRCh37 (hg19) VCF-style: chr1-94544240-A-C.
Other names: c.1262T>G, p.Leu421Arg (NM_001425324.1); short protein forms L421R.
Identifiers: ClinVar variation 1675256 (VCV001675256.2), dbSNP rs1661604529, ClinGen allele CA341282451.